The following is an entry in ClinVar:

ClinVar aggregate classification (germline): Uncertain significance (1 of 4 stars; one submission).

Conditions:
Myopathy, proximal, and ophthalmoplegia (CMYO6). Also called: MYOPATHY WITH CONGENITAL JOINT CONTRACTURES, OPHTHALMOPLEGIA, AND RIMMED VACUOLES; INCLUSION BODY MYOPATHY 3, AUTOSOMAL DOMINANT; CONGENITAL MYOPATHY 6 WITH OPHTHALMOPLEGIA. Identifiers: Orphanet 363677, Orphanet 79091, MedGen C1854106, MONDO:0011577, OMIM 605637.

Submission:

Labcorp Genetics (formerly Invitae), Labcorp
Classification: Uncertain significance for Myopathy, proximal, and ophthalmoplegia. Last evaluated: 2024-02-27. Review status: criteria provided, single submitter. Criteria: Invitae Variant Classification Sherloc (09022015). Collection method: clinical testing. Allele origin: germline.
Comment: This sequence change replaces leucine, which is neutral and non-polar, with methionine, which is neutral and non-polar, at codon 1828 of the MYH2 protein (p.Leu1828Met). This variant is not present in population databases (gnomAD no frequency). This variant has not been reported in the literature in individuals affected with MYH2-related conditions. Advanced modeling of protein sequence and biophysical properties (such as structural, functional, and spatial information, amino acid conservation, physicochemical variation, residue mobility, and thermodynamic stability) performed at Invitae indicates that this missense variant is not expected to disrupt MYH2 protein function with a negative predictive value of 80%. In summary, the available evidence is currently insufficient to determine the role of this variant in disease. Therefore, it has been classified as a Variant of Uncertain Significance.

NM_017534.6(MYH2):c.5482C>A (p.Leu1828Met)

Genes: MYH2 (myosin heavy chain 2; minus strand), MYHAS (myosin heavy chain gene cluster antisense RNA; plus strand). Cytogenetic location: 17p13.1.
Variant type: single nucleotide variant.
Coding change: c.5482C>A on transcript NM_017534.6 (MANE Select); coding-DNA position 5482, C replaced by A.
Protein change: p.Leu1828Met; replaces leucine 1828 with methionine.
Molecular consequence: missense variant.
Genome position (GRCh38, 1-based): chr17:10,523,403, G>T on the plus strand (C>A on the coding strand, the complement: MYH2 is on the minus strand). VCF-style: chr17-10523403-G-T. GRCh37 (hg19) VCF-style: chr17-10426720-G-T.
Other names: c.5482C>A, p.Leu1828Met (NM_001100112.2); short protein forms L1828M.
Identifiers: ClinVar variation 3664805 (VCV003664805.2).